The following is an entry in ClinVar:

NM_001077365.2(POMT1):c.1484C>A (p.Ala495Glu)

Gene: POMT1 (protein O-mannosyltransferase 1; plus strand). Cytogenetic location: 9q34.13.
Variant type: single nucleotide variant.
Coding change: c.1484C>A on transcript NM_001077365.2 (MANE Select); coding-DNA position 1484, C replaced by A.
Protein change: p.Ala495Glu; replaces alanine 495 with glutamic acid.
Molecular consequence: missense variant. On other transcripts: non-coding transcript variant (10), intron variant (1).
Genome position (GRCh38, 1-based): chr9:131,518,955, C>A. VCF-style: chr9-131518955-C-A. GRCh37 (hg19) VCF-style: chr9-134394342-C-A.
Other names: c.1322C>A, p.Ala441Glu (NM_001077366.2, NM_001353194.2); c.1484C>A, p.Ala495Glu (NM_001136113.2); c.1133C>A, p.Ala378Glu (NM_001136114.2, NM_001374693.1, NM_001353195.2 and 2 more transcripts); c.1550C>A, p.Ala517Glu (NM_001353193.2, NM_007171.4); c.1094C>A, p.Ala365Glu (NM_001374695.1); c.1394C>A, p.Ala465Glu (NM_001353196.2); c.1388C>A, p.Ala463Glu (NM_001353197.2, NM_001353198.2); c.1199C>A, p.Ala400Glu (NM_001353199.2); and 3 more; short protein forms A365E, A463E, A465E, A343E, A378E, A400E, A517E, A441E.
Identifiers: ClinVar variation 1476557 (VCV001476557.3), dbSNP rs761439623, ClinGen allele CA375312154.

ClinVar aggregate classification (germline): Uncertain significance (1 of 4 stars; one submission).

Conditions:
Walker-Warburg congenital muscular dystrophy. Also called: Muscular dystrophy-dystroglycanopathy, type A; Walker-Warburg syndrome. Identifiers: Orphanet 899, MedGen C0265221, MONDO:0000171.
Autosomal recessive limb-girdle muscular dystrophy type 2K. Also called: MUSCULAR DYSTROPHY-DYSTROGLYCANOPATHY (LIMB-GIRDLE), TYPE C, 1; MUSCULAR DYSTROPHY, LIMB-GIRDLE, TYPE 2K. Identifiers: Orphanet 86812, MedGen C1836373, MONDO:0012248, OMIM 609308.
Muscular dystrophy-dystroglycanopathy (congenital with impaired intellectual development), type B, 1. Also called: Muscular dystrophy-dystroglycanopathy (congenital with intellectual disability), type B1; MUSCULAR DYSTROPHY, CONGENITAL, POMT1-RELATED. Identifiers: MedGen C5436962, MONDO:0013159, OMIM 613155.

Submission:

Labcorp Genetics (formerly Invitae), Labcorp
Classification: Uncertain significance for Muscular dystrophy-dystroglycanopathy (congenital with impaired intellectual development), type B, 1; Walker-Warburg congenital muscular dystrophy; Autosomal recessive limb-girdle muscular dystrophy type 2K. Last evaluated: 2022-08-15. Review status: criteria provided, single submitter. Criteria: Invitae Variant Classification Sherloc (09022015). Collection method: clinical testing. Allele origin: germline.
Comment: This sequence change replaces alanine, which is neutral and non-polar, with glutamic acid, which is acidic and polar, at codon 517 of the POMT1 protein (p.Ala517Glu). This variant is not present in population databases (gnomAD no frequency). This variant has not been reported in the literature in individuals affected with POMT1-related conditions. ClinVar contains an entry for this variant (Variation ID: 1476557). Algorithms developed to predict the effect of missense changes on protein structure and function (SIFT, PolyPhen-2, Align-GVGD) all suggest that this variant is likely to be tolerated. In summary, the available evidence is currently insufficient to determine the role of this variant in disease. Therefore, it has been classified as a Variant of Uncertain Significance.